The following is an entry in ClinVar:

ClinVar aggregate classification (germline): Uncertain significance. Review status: criteria provided, multiple submitters, no conflicts (2 of 4 stars). 2 submissions from 2 submitters: Uncertain significance (2). Last evaluated 2019-06-28.

Submissions (2):

GeneDx
Classification: Uncertain significance. Last evaluated: 2019-06-28. Review status: criteria provided, single submitter. Criteria: GeneDx Variant Classification Process June 2021. Collection method: clinical testing. Allele origin: germline. Affected: yes.
Comment: Has not been previously published as pathogenic or benign to our knowledge; Not observed in large population cohorts (Lek et al., 2016); In-silico analysis, which includes splice predictors and evolutionary conservation, is inconclusive as to whether the variant alters gene splicing. In the absence of RNA/functional studies, the actual effect of this sequence change is unknown.; Located in the A-band of the titin protein, where the majority of pathogenic truncating variants have been reported

Eurofins Ntd Llc (ga)
Classification: Uncertain significance. Last evaluated: 2018-04-25. Review status: criteria provided, single submitter. Criteria: EGL ClinVar v180209 classification definitions. Collection method: clinical testing. Allele origin: germline. Observed: 1 variant allele, 1 heterozygote.

NM_001267550.2(TTN):c.66895A>G (p.Asn22299Asp)

Genes: TTN (titin; minus strand), TTN-AS1 (TTN antisense RNA 1; plus strand). Cytogenetic location: 2q31.2.
Variant type: single nucleotide variant.
Coding change: c.66895A>G on transcript NM_001267550.2 (MANE Select); coding-DNA position 66895, A replaced by G.
Protein change: p.Asn22299Asp; replaces asparagine 22299 with aspartic acid.
Molecular consequence: missense variant.
Genome position (GRCh38, 1-based): chr2:178,580,484, T>C on the plus strand (A>G on the coding strand, the complement: TTN is on the minus strand). VCF-style: chr2-178580484-T-C. GRCh37 (hg19) VCF-style: chr2-179445211-T-C.
Other names: c.61972A>G, p.Asn20658Asp (NM_001256850.1); c.39700A>G, p.Asn13234Asp (NM_003319.4); c.59191A>G, p.Asn19731Asp (NM_133378.4); c.40075A>G, p.Asn13359Asp (NM_133432.3); c.40276A>G, p.Asn13426Asp (NM_133437.4); short protein forms N22299D, N19731D, N13359D, N13426D, N13234D, N20658D.
Identifiers: ClinVar variation 597050 (VCV000597050.7), dbSNP rs1559497706, ClinGen allele CA349425522.